The following is an entry in ClinVar:

NM_000541.5(SAG):c.209G>A (p.Arg70His)

Gene: SAG (S-antigen visual arrestin; plus strand). Cytogenetic location: 2q37.1.
Variant type: single nucleotide variant.
Coding change: c.209G>A on transcript NM_000541.5 (MANE Select); coding-DNA position 209, G replaced by A.
Protein change: p.Arg70His; replaces arginine 70 with histidine.
Molecular consequence: missense variant.
Genome position (GRCh38, 1-based): chr2:233,320,657, G>A. VCF-style: chr2-233320657-G-A. GRCh37 (hg19) VCF-style: chr2-234229303-G-A.
Other names: short protein forms R70H.
Identifiers: ClinVar variation 2068359 (VCV002068359.5), dbSNP rs747018082, ClinGen allele CA2174308.

ClinVar aggregate classification (germline): Uncertain significance. Review status: criteria provided, multiple submitters, no conflicts (2 of 4 stars). 2 submissions from 2 submitters: Uncertain significance (2). Last evaluated 2025-04-14.

Allele frequency attached by ClinVar (database versions not stated): gnomAD exomes 0.00001; TOPMed 0.00003; ExAC 0.00005; gnomAD 0.00005.
gnomAD v4.1: 24 of 1,603,576 alleles (0.0015%); highest among the groups gnomAD compares: African/African-American, 0.011%; no homozygotes.

Submissions (2):

Labcorp Genetics (formerly Invitae), Labcorp
Classification: Uncertain significance. Last evaluated: 2025-04-14. Review status: criteria provided, single submitter. Criteria: Invitae Variant Classification Sherloc (09022015). Collection method: clinical testing. Allele origin: germline.
Comment: This sequence change replaces arginine, which is basic and polar, with histidine, which is basic and polar, at codon 70 of the SAG protein (p.Arg70His). The frequency data for this variant in the population databases is considered unreliable, as metrics indicate poor data quality at this position in the gnomAD database. This variant has not been reported in the literature in individuals affected with SAG-related conditions. ClinVar contains an entry for this variant (Variation ID: 2068359). Invitae Evidence Modeling of protein sequence and biophysical properties (such as structural, functional, and spatial information, amino acid conservation, physicochemical variation, residue mobility, and thermodynamic stability) indicates that this missense variant is not expected to disrupt SAG protein function with a negative predictive value of 80%. In summary, the available evidence is currently insufficient to determine the role of this variant in disease. Therefore, it has been classified as a Variant of Uncertain Significance.

Blueprint Genetics
Classification: Uncertain significance. Last evaluated: 2024-01-12. Review status: criteria provided, single submitter. Criteria: ACMG Guidelines, 2015. Collection method: clinical testing. Allele origin: germline.